The following is an entry in ClinVar:

NM_004304.5(ALK):c.2784CTC[1] (p.Ser930del)

Gene: ALK (ALK receptor tyrosine kinase; minus strand). Cytogenetic location: 2p23.2.
Variant type: Microsatellite.
Coding change: c.2784CTC[1] on transcript NM_004304.5 (MANE Select); one copy of the 3-base unit CTC starting at c.2784; the reference has two copies in a row; one copy, 3 bases deleted.
Protein change: p.Ser930del; deletes serine 930.
Molecular consequence: inframe deletion.
Genome position (GRCh38, 1-based): chr2:29,228,910-29,228,912, GAG deleted on the plus strand (CTC on the coding strand, the reverse complement: ALK is on the minus strand); deleting any 3 consecutive bases within chr2:29,228,910-29,228,915 gives the same sequence; the position shown is the placement nearest the transcript's 3' end. VCF-style (leftmost placement, unchanged base first): chr2-29228909-TGAG-T. GRCh37 (hg19) VCF-style: chr2-29451775-TGAG-T.
Other names: short protein forms S930del.
Identifiers: ClinVar variation 2127138 (VCV002127138.4), dbSNP rs2465977417, ClinGen allele CA2580611299.
Genomic context (GRCh38, chr2:29,228,909, plus strand): 5'-GAGGGAGTGACACCTTGAACACGAATCATCTTTACCTATATATCCTCCGCCTCCTCCACC[TGAG>T]GAGCACCCCCCTCCACCCCCTCCGAAACCCCCTCTTGTCTCCCACCCCCACTTCTTCATG-3'

ClinVar aggregate classification (germline): Uncertain significance (1 of 4 stars; one submission).

Conditions:
Neuroblastoma, susceptibility to, 3. Also called: ALK-Related Neuroblastic Tumor Susceptibility. Identifiers: Orphanet 635, MedGen C2751681, MONDO:0013083, OMIM 613014.

Submission:

Labcorp Genetics (formerly Invitae), Labcorp
Classification: Uncertain significance for Neuroblastoma, susceptibility to, 3. Last evaluated: 2022-09-27. Review status: criteria provided, single submitter. Criteria: Invitae Variant Classification Sherloc (09022015). Collection method: clinical testing. Allele origin: germline.
Comment: This variant has not been reported in the literature in individuals affected with ALK-related conditions. This variant is not present in population databases (gnomAD no frequency). This variant, c.2787_2789del, results in the deletion of 1 amino acid(s) of the ALK protein (p.Ser930del), but otherwise preserves the integrity of the reading frame. Experimental studies and prediction algorithms are not available or were not evaluated, and the functional significance of this variant is currently unknown. In summary, the available evidence is currently insufficient to determine the role of this variant in disease. Therefore, it has been classified as a Variant of Uncertain Significance.